The following is an entry in ClinVar:

NM_005138.3(SCO2):c.235A>T (p.Arg79Trp)

Genes: SCO2 (synthesis of cytochrome C oxidase 2; minus strand), NCAPH2 (non-SMC condensin II complex subunit H2; plus strand). Cytogenetic location: 22q13.33.
Variant type: single nucleotide variant.
Coding change: c.235A>T on transcript NM_005138.3 (MANE Select); coding-DNA position 235, A replaced by T.
Protein change: p.Arg79Trp; replaces arginine 79 with tryptophan.
Molecular consequence: missense variant. On other transcripts: 3 prime UTR variant (2).
Genome position (GRCh38, 1-based): chr22:50,524,177, T>A on the plus strand (A>T on the coding strand, the complement: SCO2 is on the minus strand). VCF-style: chr22-50524177-T-A. GRCh37 (hg19) VCF-style: chr22-50962606-T-A.
Other names: c.*802T>A (NM_001185011.2, NM_152299.4); c.235A>T, p.Arg79Trp (NM_001169109.2, NM_001169110.1, NM_001169111.2); short protein forms R79W.
Identifiers: ClinVar variation 3765636 (VCV003765636.1).

ClinVar aggregate classification (germline): Uncertain significance (1 of 4 stars; one submission).

Submission:

Greenwood Genetic Center Diagnostic Laboratories, Greenwood Genetic Center
Classification: Uncertain significance. Last evaluated: 2024-09-09. Review status: criteria provided, single submitter. Criteria: ACMG Guidelines, 2015. Collection method: clinical testing. Allele origin: germline. Affected: yes.
Comment: PM2